The following is an entry in ClinVar:

NM_004329.3(BMPR1A):c.536A>G (p.Tyr179Cys)

Gene: BMPR1A (bone morphogenetic protein receptor type 1A; plus strand). Cytogenetic location: 10q23.2.
Variant type: single nucleotide variant.
Coding change: c.536A>G on transcript NM_004329.3 (MANE Select); coding-DNA position 536, A replaced by G.
Protein change: p.Tyr179Cys; replaces tyrosine 179 with cysteine.
Molecular consequence: missense variant.
Genome position (GRCh38, 1-based): chr10:86,912,245, A>G. VCF-style: chr10-86912245-A-G. GRCh37 (hg19) VCF-style: chr10-88672002-A-G.
Other names: c.536A>G (NM_004329.2); short protein forms Y179C.
Identifiers: ClinVar variation 1026714 (VCV001026714.10), dbSNP rs1843500965, ClinGen allele CA377454056.

ClinVar aggregate classification (germline): Uncertain significance. Review status: criteria provided, multiple submitters, no conflicts (2 of 4 stars). 2 submissions from 2 submitters: Uncertain significance (2). Last evaluated 2024-02-15.

Conditions:
Hereditary cancer-predisposing syndrome. Also called: Hereditary neoplastic syndrome; Neoplastic Syndromes, Hereditary; Tumor predisposition; Hereditary Cancer Syndrome. Identifiers: Orphanet 140162, MedGen C0027672, MeSH D009386, MONDO:0015356.
Juvenile polyposis syndrome (JPS). Identifiers: Orphanet 2929, MedGen C0345893, MONDO:0017380, OMIM 174900.

Submissions (2):

Ambry Genetics
Classification: Uncertain significance for Hereditary cancer-predisposing syndrome. Last evaluated: 2024-02-15. Review status: criteria provided, single submitter. Criteria: Ambry Variant Classification Scheme 2023. Collection method: clinical testing. Allele origin: germline.
Comment: The p.Y179C variant (also known as c.536A>G), located in coding exon 6 of the BMPR1A gene, results from an A to G substitution at nucleotide position 536. The tyrosine at codon 179 is replaced by cysteine, an amino acid with highly dissimilar properties. This amino acid position is well conserved in available vertebrate species. In addition, the in silico prediction for this alteration is inconclusive. Based on the available evidence, the clinical significance of this alteration remains unclear.

Labcorp Genetics (formerly Invitae), Labcorp
Classification: Uncertain significance for Juvenile polyposis syndrome. Last evaluated: 2020-08-10. Review status: criteria provided, single submitter. Criteria: Invitae Variant Classification Sherloc (09022015). Collection method: clinical testing. Allele origin: germline.
Comment: This variant is not present in population databases (ExAC no frequency). This sequence change replaces tyrosine with cysteine at codon 179 of the BMPR1A protein (p.Tyr179Cys). The tyrosine residue is moderately conserved and there is a large physicochemical difference between tyrosine and cysteine. This variant has not been reported in the literature in individuals with BMPR1A-related conditions. Algorithms developed to predict the effect of missense changes on protein structure and function are either unavailable or do not agree on the potential impact of this missense change (SIFT: "Deleterious"; PolyPhen-2: "Benign"; Align-GVGD: "Class C25"). In summary, the available evidence is currently insufficient to determine the role of this variant in disease. Therefore, it has been classified as a Variant of Uncertain Significance.